The following is an entry in ClinVar:

NM_032578.4(MYPN):c.3494-316C>T

Gene: MYPN (myopalladin; plus strand). Cytogenetic location: 10q21.3.
Variant type: single nucleotide variant.
Coding change: c.3494-316C>T on transcript NM_032578.4 (MANE Select); 316 bases into the intron before coding-DNA position 3494, C replaced by T.
Molecular consequence: intron variant.
Genome position (GRCh38, 1-based): chr10:68,201,513, C>T. VCF-style: chr10-68201513-C-T. GRCh37 (hg19) VCF-style: chr10-69961270-C-T.
Other names: c.3494-316C>T (NM_001256267.2); c.2612-316C>T (NM_001256268.2).
Identifiers: ClinVar variation 683658 (VCV000683658.1), dbSNP rs2490934, ClinGen allele CA208227661.

ClinVar aggregate classification (germline): Benign (1 of 4 stars; one submission).

Allele frequency attached by ClinVar (database versions not stated): gnomAD 0.99999 and 1.00000; 1000 Genomes Project 1.00000; 1000 Genomes Project 30x 1.00000; TOPMed 1.00000.
gnomAD v4.1: 152,324 of 152,324 alleles (100%); highest among the groups gnomAD compares: Non-Finnish European, 100%; 76,162 homozygotes.

Submission:

GeneDx
Classification: Benign. Last evaluated: 2018-06-18. Review status: criteria provided, single submitter. Criteria: GeneDx Variant Classification (06012015). Collection method: clinical testing. Allele origin: germline. Affected: yes.
Comment: This variant is considered likely benign or benign based on one or more of the following criteria: it is a conservative change, it occurs at a poorly conserved position in the protein, it is predicted to be benign by multiple in silico algorithms, and/or has population frequency not consistent with disease.